The following is an entry in ClinVar:

NM_000098.3(CPT2):c.612del (p.Tyr205fs)

Gene: CPT2 (carnitine palmitoyltransferase 2; plus strand). Cytogenetic location: 1p32.3.
Variant type: Deletion.
Coding change: c.612del on transcript NM_000098.3 (MANE Select); coding-DNA position 612, one base deleted (C; older notation c.612delC).
Protein change: p.Tyr205fs; shifts the reading frame from tyrosine 205.
Molecular consequence: frameshift variant.
Genome position (GRCh38, 1-based): chr1:53,210,286, C deleted; the last of 2 consecutive C bases (chr1:53,210,285-53,210,286); deleting either gives the same sequence. VCF-style (leftmost placement, unchanged base first): chr1-53210284-GC-G. GRCh37 (hg19) VCF-style: chr1-53675956-GC-G.
Other names: c.612del, p.Tyr205fs (NM_001330589.2); short protein forms Y205fs.
Identifiers: ClinVar variation 2824918 (VCV002824918.3), dbSNP rs777297837, ClinGen allele CA859019.

ClinVar aggregate classification (germline): Pathogenic (1 of 4 stars; one submission).

Conditions:
Carnitine palmitoyltransferase II deficiency. Also called: Carnitine Palmitoyltransferase 2 Deficiency. Identifiers: Orphanet 157, MedGen C0342790, MONDO:0015515.

Submission:

Labcorp Genetics (formerly Invitae), Labcorp
Classification: Pathogenic for Carnitine palmitoyltransferase II deficiency. Last evaluated: 2023-07-09. Review status: criteria provided, single submitter. Criteria: Invitae Variant Classification Sherloc (09022015). Collection method: clinical testing. Allele origin: germline.
Comment: This sequence change creates a premature translational stop signal (p.Tyr205Thrfs*42) in the CPT2 gene. It is expected to result in an absent or disrupted protein product. Loss-of-function variants in CPT2 are known to be pathogenic (PMID: 16781677, 16996287). This variant is present in population databases (rs777297837, gnomAD 0.0009%). This variant has not been reported in the literature in individuals affected with CPT2-related conditions. For these reasons, this variant has been classified as Pathogenic.

Literature cited by the submitters: PubMed 16781677; PubMed 16996287.